The following is an entry in ClinVar:

NM_017636.4(TRPM4):c.845AGA[1] (p.Lys283del)

Gene: TRPM4 (transient receptor potential cation channel subfamily M member 4; plus strand). Cytogenetic location: 19q13.33.
Variant type: Microsatellite.
Coding change: c.845AGA[1] on transcript NM_017636.4 (MANE Select); one copy of the 3-base unit AGA starting at c.845; the reference has two copies in a row; one copy, 3 bases deleted; also written c.848_850del.
Protein change: p.Lys283del; deletes lysine 283.
Molecular consequence: inframe deletion. On other transcripts: 5 prime UTR variant (1), initiator codon variant (1).
Genome position (GRCh38, 1-based): chr19:49,171,408-49,171,410, AGA deleted; deleting any 3 consecutive bases within chr19:49,171,405-49,171,410 gives the same sequence; the position shown is the placement nearest the transcript's 3' end. VCF-style (leftmost placement, unchanged base first): chr19-49171404-GAGA-G. GRCh37 (hg19) VCF-style: chr19-49674661-GAGA-G.
Other names: c.845AGA[1], p.Lys283del (NM_001195227.2); c.500AGA[1], p.Lys168del (NM_001321281.2); c.-709AGA[1] (NM_001321282.2); c.323AGA[1], p.Lys109del (NM_001321283.2); c.-5AGA[1], p.Met1del (NM_001321285.2); c.848_850del (NM_017636.4); short protein forms K168del, M1del, K109del, K283del.
Identifiers: ClinVar variation 1379870 (VCV001379870.7), dbSNP rs988711796, ClinGen allele CA309433256.

ClinVar aggregate classification (germline): Uncertain significance. Review status: criteria provided, multiple submitters, no conflicts (2 of 4 stars). 2 submissions from 2 submitters: Uncertain significance (2). Last evaluated 2021-09-20.

Conditions:
Progressive familial heart block type IB (PFHB1B). Identifiers: Orphanet 871, MedGen C1970298, MONDO:0011474, OMIM 604559.
Erythrokeratodermia variabilis et progressiva 6. Identifiers: MedGen C5193144, MONDO:0032801, OMIM 618531.

Submissions (2):

Labcorp Genetics (formerly Invitae), Labcorp
Classification: Uncertain significance for Progressive familial heart block type IB. Last evaluated: 2021-09-20. Review status: criteria provided, single submitter. Criteria: Invitae Variant Classification Sherloc (09022015). Collection method: clinical testing. Allele origin: germline.
Comment: This variant has not been reported in the literature in individuals affected with TRPM4-related conditions. In summary, the available evidence is currently insufficient to determine the role of this variant in disease. Therefore, it has been classified as a Variant of Uncertain Significance. Experimental studies and prediction algorithms are not available or were not evaluated, and the functional significance of this variant is currently unknown. This variant is not present in population databases (ExAC no frequency). This variant, c.848_850del, results in the deletion of 1 amino acid(s) of the TRPM4 protein (p.Lys283del), but otherwise preserves the integrity of the reading frame.

Fulgent Genetics
Classification: Uncertain significance for Progressive familial heart block type IB; Erythrokeratodermia variabilis et progressiva 6. Last evaluated: 2021-08-09. Review status: criteria provided, single submitter. Criteria: ACMG Guidelines, 2015. Collection method: clinical testing. Allele origin: unknown.